The following is an entry in ClinVar:

NM_032447.5(FBN3):c.7726C>T (p.Pro2576Ser)

Gene: FBN3 (fibrillin 3; minus strand). Cytogenetic location: 19p13.2.
Variant type: single nucleotide variant.
Coding change: c.7726C>T on transcript NM_032447.5 (MANE Select); coding-DNA position 7726, C replaced by T.
Protein change: p.Pro2576Ser; replaces proline 2576 with serine.
Molecular consequence: missense variant.
Genome position (GRCh38, 1-based): chr19:8,073,274, G>A on the plus strand (C>T on the coding strand, the complement: FBN3 is on the minus strand). VCF-style: chr19-8073274-G-A. GRCh37 (hg19) VCF-style: chr19-8138158-G-A.
Other names: c.7726C>T, p.Pro2576Ser (NM_001321431.2); short protein forms P2576S.
Identifiers: ClinVar variation 1903294 (VCV001903294.5), dbSNP rs148374540, ClinGen allele CA9150760.
Genomic context (GRCh38, chr19:8,073,274, plus strand): 5'-GGCAGACGCAGCGGAAGCCACCAAGAGTGTTGCGACAGGAGGCGCTCCCGCAGGTGGGGG[G>A]CGACAGGGCACACTCATTCTCATCTGTGGGAGGAAAGGAGGAGGAGAGGGAGGACGCAGA-3'
Protein context (NP_115823.3, residues 2566-2586): CVDENECALS[Pro2576Ser]PTCGSASCRN

ClinVar aggregate classification (germline): Uncertain significance (1 of 4 stars; one submission).

Allele frequency attached by ClinVar (database versions not stated): gnomAD 0.00002; TOPMed 0.00002; ExAC 0.00003; gnomAD exomes 0.00003; ESP Exome Variant Server 0.00015.
gnomAD v4.1: 45 of 1,613,910 alleles (0.0028%); highest among the groups gnomAD compares: Non-Finnish European, 0.0035%; no homozygotes.

Submission:

Labcorp Genetics (formerly Invitae), Labcorp
Classification: Uncertain significance. Last evaluated: 2022-04-20. Review status: criteria provided, single submitter. Criteria: Invitae Variant Classification Sherloc (09022015). Collection method: clinical testing. Allele origin: germline.
Comment: Algorithms developed to predict the effect of missense changes on protein structure and function are either unavailable or do not agree on the potential impact of this missense change (SIFT: "Not Available"; PolyPhen-2: "Benign"; Align-GVGD: "Not Available"). This sequence change replaces proline, which is neutral and non-polar, with serine, which is neutral and polar, at codon 2576 of the FBN3 protein (p.Pro2576Ser). This variant is present in population databases (rs148374540, gnomAD 0.004%). This variant has not been reported in the literature in individuals affected with FBN3-related conditions. In summary, the available evidence is currently insufficient to determine the role of this variant in disease. Therefore, it has been classified as a Variant of Uncertain Significance.